The following is an entry in ClinVar:

NM_000051.4(ATM):c.6323A>T (p.Gln2108Leu)

Genes: ATM (ATM serine/threonine kinase; plus strand), C11orf65 (chromosome 11 open reading frame 65; minus strand). Cytogenetic location: 11q22.3.
Variant type: single nucleotide variant.
Coding change: c.6323A>T on transcript NM_000051.4 (MANE Select); coding-DNA position 6323, A replaced by T.
Protein change: p.Gln2108Leu; replaces glutamine 2108 with leucine.
Molecular consequence: missense variant. On other transcripts: intron variant (2).
Genome position (GRCh38, 1-based): chr11:108,317,497, A>T. VCF-style: chr11-108317497-A-T. GRCh37 (hg19) VCF-style: chr11-108188224-A-T.
Other names: c.6323A>T, p.Gln2108Leu (NM_001351834.2); c.641-8426T>A (NM_001330368.2); c.*39-8426T>A (NM_001351110.2); short protein forms Q2108L.
Identifiers: ClinVar variation 1059590 (VCV001059590.11), dbSNP rs773891864, ClinGen allele CA382552225.

ClinVar aggregate classification (germline): Uncertain significance. Review status: criteria provided, multiple submitters, no conflicts (2 of 4 stars). 2 submissions from 2 submitters: Uncertain significance (2). Last evaluated 2025-02-12.

Conditions:
Ataxia-telangiectasia syndrome (AT). Also called: Ataxia telangiectasia (A-T); ATAXIA-TELANGIECTASIA, COMPLEMENTATION GROUP A; ATAXIA-TELANGIECTASIA, FRESNO VARIANT; Ataxia-telangiectasia; Ataxia-telangiectasia, complementation group E; LOUIS-BAR SYNDROME. Identifiers: Orphanet 100, MedGen C0004135, MONDO:0008840, OMIM 208900.
Hereditary cancer-predisposing syndrome. Also called: Neoplastic Syndromes, Hereditary; Tumor predisposition; Hereditary Cancer Syndrome; Hereditary neoplastic syndrome. Identifiers: Orphanet 140162, MedGen C0027672, MeSH D009386, MONDO:0015356.

gnomAD v4.1: 4 of 1,610,614 alleles (0.00025%); highest among the groups gnomAD compares: Admixed American, 0.0067%; no homozygotes.

Submissions (2):

Ambry Genetics
Classification: Uncertain significance for Hereditary cancer-predisposing syndrome. Last evaluated: 2025-02-12. Review status: criteria provided, single submitter. Criteria: Ambry Variant Classification Scheme 2023. Collection method: clinical testing. Allele origin: germline.
Comment: The p.Q2108L variant (also known as c.6323A>T), located in coding exon 42 of the ATM gene, results from an A to T substitution at nucleotide position 6323. The glutamine at codon 2108 is replaced by leucine, an amino acid with dissimilar properties. This amino acid position is highly conserved in available vertebrate species. In addition, this alteration is predicted to be deleterious by in silico analysis. Based on the available evidence, the clinical significance of this variant remains unclear.

Labcorp Genetics (formerly Invitae), Labcorp
Classification: Uncertain significance for Ataxia-telangiectasia syndrome. Last evaluated: 2024-12-06. Review status: criteria provided, single submitter. Criteria: Invitae Variant Classification Sherloc (09022015). Collection method: clinical testing. Allele origin: germline.
Comment: This sequence change replaces glutamine, which is neutral and polar, with leucine, which is neutral and non-polar, at codon 2108 of the ATM protein (p.Gln2108Leu). This variant is present in population databases (no rsID available, gnomAD 0.006%). This variant has not been reported in the literature in individuals affected with ATM-related conditions. ClinVar contains an entry for this variant (Variation ID: 1059590). Invitae Evidence Modeling of protein sequence and biophysical properties (such as structural, functional, and spatial information, amino acid conservation, physicochemical variation, residue mobility, and thermodynamic stability) indicates that this missense variant is not expected to disrupt ATM protein function with a negative predictive value of 95%. In summary, the available evidence is currently insufficient to determine the role of this variant in disease. Therefore, it has been classified as a Variant of Uncertain Significance.